The following is an entry in ClinVar:

NM_032237.5(POMK):c.978C>T (p.Asp326=)

Gene: POMK (protein O-mannose kinase; plus strand). Cytogenetic location: 8p11.21.
Variant type: single nucleotide variant.
Coding change: c.978C>T on transcript NM_032237.5 (MANE Select); coding-DNA position 978, C replaced by T.
Protein change: p.Asp326=; no amino-acid change (aspartic acid 326 retained).
Molecular consequence: synonymous variant.
Genome position (GRCh38, 1-based): chr8:43,122,802, C>T. VCF-style: chr8-43122802-C-T. GRCh37 (hg19) VCF-style: chr8-42977945-C-T.
Other names: c.978C>T, p.Asp326= (NM_001277971.2).
Identifiers: ClinVar variation 1149701 (VCV001149701.9), dbSNP rs377648307, ClinGen allele CA4736387.
Genomic context (GRCh38, chr8:43,122,802, plus strand): 5'-GTTTGATATTCACAAAGCATGCAAGAGCCAGACTCCCTCAGAAAGACCCACTGCCCAGGA[C>T]GTTCTGGAGACCTACCAGAAGGTCTTGGATACACTTAGAGATGCCATGATGTCTCAGGCA-3'
Protein context (NP_115613.1, residues 316-336): QTPSERPTAQ[Asp326=]VLETYQKVLD

ClinVar aggregate classification (germline): Likely benign. Review status: criteria provided, multiple submitters, no conflicts (2 of 4 stars). 2 submissions from 2 submitters: Likely benign (2). Last evaluated 2026-05-01.

Conditions:
Muscular dystrophy-dystroglycanopathy (congenital with brain and eye anomalies), type a, 12 (MDDGA12). Also called: WALKER-WARBURG SYNDROME OR MUSCLE-EYE-BRAIN DISEASE, POMK-RELATED. Identifiers: Orphanet 899, MedGen C3808964, MONDO:0014101, OMIM 615249.
Limb-girdle muscular dystrophy due to POMK deficiency. Also called: Muscular dystrophy-dystroglycanopathy (limb-girdle), type c, 12; MUSCULAR DYSTROPHY-DYSTROGLYCANOPATHY, LIMB-GIRDLE, POMK-RELATED. Identifiers: Orphanet 445110, MedGen C4015184, MONDO:0014489, OMIM 616094.

Allele frequency attached by ClinVar (database versions not stated): gnomAD exomes 0.00002 and 0.00004; ExAC 0.00004; gnomAD 0.00006; TOPMed 0.00007; ESP Exome Variant Server 0.00008.
gnomAD v4.1: 45 of 1,613,994 alleles (0.0028%); highest among the groups gnomAD compares: African/African-American, 0.023%; 1 homozygote.

Submissions (2):

CeGaT Center for Human Genetics Tuebingen
Classification: Likely benign. Last evaluated: 2026-05-01. Review status: criteria provided, single submitter. Criteria: CeGaT Center For Human Genetics Tuebingen Variant Classification Criteria Version 2. Collection method: clinical testing. Allele origin: germline. Affected: yes. Observed: 1 variant allele.
Comment: POMK: BP4, BP7

Labcorp Genetics (formerly Invitae), Labcorp
Classification: Likely benign for Muscular dystrophy-dystroglycanopathy (congenital with brain and eye anomalies), type a, 12; Limb-girdle muscular dystrophy due to POMK deficiency. Last evaluated: 2025-12-19. Review status: criteria provided, single submitter. Criteria: Invitae Variant Classification Sherloc (09022015). Collection method: clinical testing. Allele origin: germline.